The following is an entry in ClinVar:

ClinVar aggregate classification (germline): Conflicting classifications of pathogenicity. Review status: criteria provided, conflicting classifications (1 of 4 stars). 4 submissions from 4 submitters: Uncertain significance (3); Likely benign (1). Last evaluated 2025-04-30.

Conditions:
Cardiovascular phenotype. Identifiers: MedGen CN230736.
Hypertrophic cardiomyopathy 26. Also called: Cardiomyopathy, familial hypertrophic, 26. Identifiers: Orphanet 75249, MedGen C4310749, MONDO:0014883, OMIM 617047.
Myofibrillar myopathy 5. Also called: Filaminopathy (type); FILAMINOPATHY, AUTOSOMAL DOMINANT. Identifiers: Orphanet 171445, MedGen C1836050, MONDO:0012289, OMIM 609524.
Distal myopathy with posterior leg and anterior hand involvement. Also called: WILLIAMS DISTAL MYOPATHY. Identifiers: Orphanet 63273, MedGen C3279722, MONDO:0013550, OMIM 614065.

Allele frequency attached by ClinVar (database versions not stated): gnomAD exomes below 0.00001 and 0.00001; TOPMed 0.00001.
gnomAD v4.1: 8 of 1,614,192 alleles (0.0005%); highest among the groups gnomAD compares: Middle Eastern, 0.033%; no homozygotes.

Submissions (4):

Ambry Genetics
Classification: Uncertain significance for Cardiovascular phenotype. Last evaluated: 2025-04-30. Review status: criteria provided, single submitter. Criteria: Ambry Variant Classification Scheme 2023. Collection method: clinical testing. Allele origin: germline.
Comment: The p.E2472K variant (also known as c.7414G>A), located in coding exon 45 of the FLNC gene, results from a G to A substitution at nucleotide position 7414. The glutamic acid at codon 2472 is replaced by lysine, an amino acid with similar properties. This amino acid position is conserved. In addition, this alteration is predicted to be deleterious by in silico analysis. Since supporting evidence is limited at this time, the clinical significance of this alteration remains unclear.

Labcorp Genetics (formerly Invitae), Labcorp
Classification: Likely benign for Distal myopathy with posterior leg and anterior hand involvement; Myofibrillar myopathy 5; Hypertrophic cardiomyopathy 26. Last evaluated: 2025-01-06. Review status: criteria provided, single submitter. Criteria: Invitae Variant Classification Sherloc (09022015). Collection method: clinical testing. Allele origin: germline.

Blueprint Genetics
Classification: Uncertain significance. Last evaluated: 2024-08-26. Review status: criteria provided, single submitter. Criteria: ACMG Guidelines, 2015. Collection method: clinical testing. Allele origin: germline.

Victorian Clinical Genetics Services, Murdoch Childrens Research Institute
Classification: Uncertain significance for Hypertrophic cardiomyopathy 26. Last evaluated: 2022-02-02. Review status: criteria provided, single submitter. Criteria: ACMG Guidelines, 2015. Collection method: clinical testing. Allele origin: germline. Inheritance: Autosomal dominant inheritance. Affected: yes.
Comment: Based on the classification scheme VCGS_Germline_v1.3.4, this variant is classified as VUS-3B. Following criteria are met: 0103 - Loss of function and gain of function are known mechanisms of disease in this gene. Loss of function is the established mechanism of disease for variants in dilated cardiomyopathy, hypertrophic cardiomyopathy, restrictive cardiomyopathy (MIM#617047) and myofibrillar myopathy (MIM#609524). In distal myopathy (MIM#614065), NMD-predicted variants cause a loss of function, however missense variants have been shown to result in a toxic gain of function (PMID: 32112656). (I) 0107 - This gene is associated with autosomal dominant disease. Variants located throughout the gene that are predicted to result in nonsense-mediated decay (NMD) are enriched in dilated cardiomyopathy, whereas missense variants in the ROD2 domain are enriched in hypertrophic cardiomyopathy and restrictive cardiomyopathy (MIM#617047). Additionally, myofibrillar myopathy (MIM#609524) is known to result from either missense variants in the ROD2 domain or truncating variants in the Ig-like domain 24, while missense variants in the actin-binding domain and NMD-predicted variants located in the Ig-like domain 15 and have been reported for distal myopathy (MIM#614065) (PMID: 32112656). (I) 0200 - Variant is predicted to result in a missense amino acid change from glutamic acid to lysine. (I) 0251 - This variant is heterozygous. (I) 0302 - Variant is present in gnomAD (v2) <0.001 for a dominant condition (1 heterozygote, 0 homozygotes). (SP) 0309 - An alternative amino acid change at the same position has been observed in gnomAD (v2) (1 heterozygote, 0 homozygotes). (I) 0501 - Missense variant consistently predicted to be damaging by multiple in silico tools or highly conserved with a major amino acid change. (SP) 0600 - Variant is located in the annotated filamin domain (DECIPHER). (I) 0705 - No comparable missense variants have previous evidence for pathogenicity. (I) 0809 - Previous evidence of pathogenicity for this variant is inconclusive. This variant has been reported as a VUS in ClinVar. (I) 0905 - No published segregation evidence has been identified for this variant. (I) 1007 - No published functional evidence has been identified for this variant. (I) 1208 - Inheritance information for this variant is not currently available in this individual. (I) Legend: (SP) - Supporting pathogenic, (I) - Information, (SB) - Supporting benign

Literature cited by the submitters: PubMed 32112656 (cited by Victorian Clinical Genetics Services, Murdoch Childrens Research Institute).

NM_001458.5(FLNC):c.7414G>A (p.Glu2472Lys)

Genes: FLNC (filamin C; plus strand), FLNC-AS1 (FLNC antisense RNA 1; minus strand). Cytogenetic location: 7q32.1.
Variant type: single nucleotide variant.
Coding change: c.7414G>A on transcript NM_001458.5 (MANE Select); coding-DNA position 7414, G replaced by A.
Protein change: p.Glu2472Lys; replaces glutamic acid 2472 with lysine.
Molecular consequence: missense variant.
Genome position (GRCh38, 1-based): chr7:128,856,774, G>A. VCF-style: chr7-128856774-G-A. GRCh37 (hg19) VCF-style: chr7-128496828-G-A.
Other names: c.7315G>A, p.Glu2439Lys (NM_001127487.2); short protein forms E2472K, E2439K.
Identifiers: ClinVar variation 941507 (VCV000941507.14), dbSNP rs948675422, ClinGen allele CA166194957.